The following is an entry in ClinVar:

ClinVar aggregate classification (germline): Uncertain significance. Review status: criteria provided, multiple submitters, no conflicts (2 of 4 stars). 2 submissions from 2 submitters: Uncertain significance (2). Last evaluated 2025-09-29.

Conditions:
Complement component 3 deficiency. Identifiers: Orphanet 280133, MedGen C3151071, MONDO:0013417, OMIM 613779.
Age related macular degeneration 9. Identifiers: MedGen C1969651, MONDO:0012659, OMIM 611378.
Atypical hemolytic-uremic syndrome with C3 anomaly. Also called: AHUS, SUSCEPTIBILITY TO, 5. Identifiers: Orphanet 2134, MedGen C2752037, MONDO:0013043, OMIM 612925.

Allele frequency attached by ClinVar (database versions not stated): gnomAD exomes 0.00001; TOPMed 0.00001; ExAC 0.00002; ESP Exome Variant Server 0.00008.
gnomAD v4.1: 16 of 1,613,294 alleles (0.00099%); highest among the groups gnomAD compares: East Asian, 0.0089%; no homozygotes.

Submissions (2):

Labcorp Genetics (formerly Invitae), Labcorp
Classification: Uncertain significance. Last evaluated: 2025-09-29. Review status: criteria provided, single submitter. Criteria: Invitae Variant Classification Sherloc (09022015). Collection method: clinical testing. Allele origin: germline.
Comment: This sequence change replaces valine, which is neutral and non-polar, with isoleucine, which is neutral and non-polar, at codon 199 of the C3 protein (p.Val199Ile). This variant is present in population databases (rs147549358, gnomAD 0.01%). This variant has not been reported in the literature in individuals affected with C3-related conditions. ClinVar contains an entry for this variant (Variation ID: 2716451). Invitae Evidence Modeling of protein sequence and biophysical properties (such as structural, functional, and spatial information, amino acid conservation, physicochemical variation, residue mobility, and thermodynamic stability) indicates that this missense variant is not expected to disrupt C3 protein function with a negative predictive value of 80%. In summary, the available evidence is currently insufficient to determine the role of this variant in disease. Therefore, it has been classified as a Variant of Uncertain Significance.

Fulgent Genetics
Classification: Uncertain significance for Age related macular degeneration 9; Atypical hemolytic-uremic syndrome with C3 anomaly; Complement component 3 deficiency. Last evaluated: 2024-03-06. Review status: criteria provided, single submitter. Criteria: ACMG Guidelines, 2015. Collection method: clinical testing. Allele origin: germline.

NM_000064.4(C3):c.595G>A (p.Val199Ile)

Gene: C3 (complement C3; minus strand). Cytogenetic location: 19p13.3.
Variant type: single nucleotide variant.
Coding change: c.595G>A on transcript NM_000064.4 (MANE Select); coding-DNA position 595, G replaced by A.
Protein change: p.Val199Ile; replaces valine 199 with isoleucine.
Molecular consequence: missense variant.
Genome position (GRCh38, 1-based): chr19:6,714,356, C>T on the plus strand (G>A on the coding strand, the complement: C3 is on the minus strand). VCF-style: chr19-6714356-C-T. GRCh37 (hg19) VCF-style: chr19-6714367-C-T.
Other names: short protein forms V199I.
Identifiers: ClinVar variation 2716451 (VCV002716451.4), dbSNP rs147549358, ClinGen allele CA9129772.